The following is an entry in ClinVar:

ClinVar aggregate classification (germline): Benign. Review status: criteria provided, multiple submitters, no conflicts (2 of 4 stars). 2 submissions from 2 submitters: Benign (2). Last evaluated 2016-03-29.

Allele frequency attached by ClinVar (database versions not stated): 1000 Genomes Project 30x 0.12258; 1000 Genomes Project 0.12540; ESP Exome Variant Server 0.12936; gnomAD 0.13404 and 0.13430; gnomAD exomes 0.13480; TOPMed 0.13749; ExAC 0.13826.
gnomAD v4.1: 191,712 of 1,508,818 alleles (13%); highest among the groups gnomAD compares: Middle Eastern, 19%; 12,933 homozygotes.

Submissions (2):

Laboratory for Molecular Medicine, Mass General Brigham Personalized Medicine
Classification: Benign. Last evaluated: 2016-03-29. Review status: criteria provided, single submitter. Criteria: LMM Criteria. Collection method: clinical testing. Allele origin: germline.
Comment: Variant identified in a genome or exome case(s) and assessed due to predicted null impact of the variant or pathogenic assertions in the literature or databases. Disclaimer: This variant has not undergone full assessment. The following are preliminary notes: Frequency

Breakthrough Genomics
Classification: Benign. Review status: criteria provided, single submitter. Criteria: ACMG Guidelines, 2015. Collection method: not provided. Allele origin: germline. Inheritance: Unknown mechanism. Affected: yes.

NM_174858.3(AK5):c.1059+12C>T

Gene: AK5 (adenylate kinase 5; plus strand). Cytogenetic location: 1p31.1.
Variant type: single nucleotide variant.
Coding change: c.1059+12C>T on transcript NM_174858.3 (MANE Select); 12 bases into the intron after coding-DNA position 1059, C replaced by T.
Molecular consequence: intron variant.
Genome position (GRCh38, 1-based): chr1:77,417,727, C>T. VCF-style: chr1-77417727-C-T. GRCh37 (hg19) VCF-style: chr1-77883412-C-T.
Other names: c.981+12C>T (NM_012093.4).
Identifiers: ClinVar variation 402357 (VCV000402357.5), dbSNP rs1532507, ClinGen allele CA916433.